The following is an entry in ClinVar:

ClinVar aggregate classification (germline): Uncertain significance (1 of 4 stars; one submission).

Conditions:
Charcot-Marie-Tooth disease type 4. Also called: Charcot-Marie-Tooth disease, type IV; Charcot-Marie-Tooth, Type 4. Identifiers: Orphanet 64749, MedGen C4082197, MONDO:0018995.

Submission:

Labcorp Genetics (formerly Invitae), Labcorp
Classification: Uncertain significance for Charcot-Marie-Tooth disease type 4. Last evaluated: 2021-08-24. Review status: criteria provided, single submitter. Criteria: Invitae Variant Classification Sherloc (09022015). Collection method: clinical testing. Allele origin: germline.
Comment: This variant has not been reported in the literature in individuals affected with SBF2-related conditions. This sequence change replaces methionine with asparagine at codon 966 of the SBF2 protein (p.Met966Asn). The methionine residue is moderately conserved and there is a large physicochemical difference between methionine and asparagine. The frequency data for this variant in the population databases is not available, as this variant may be reported as separate entries in the ExAC database. Algorithms developed to predict the effect of missense changes on protein structure and function are either unavailable or do not agree on the potential impact of this missense change (SIFT: "Not Available"; PolyPhen-2: "Benign"; Align-GVGD: "Not Available"). In summary, the available evidence is currently insufficient to determine the role of this variant in disease. Therefore, it has been classified as a Variant of Uncertain Significance.

NM_030962.4(SBF2):c.2897_2898delinsAT (p.Met966Asn)

Genes: SBF2 (SET binding factor 2; minus strand), LOC101928008 (uncharacterized LOC101928008; plus strand). Cytogenetic location: 11p15.4.
Variant type: Indel.
Coding change: c.2897_2898delinsAT on transcript NM_030962.4 (MANE Select); coding-DNA positions 2897 to 2898, TG replaced by AT.
Protein change: p.Met966Asn; replaces methionine 966 with asparagine.
Molecular consequence: missense variant.
Genome position (GRCh38, 1-based): chr11:9,846,992-9,846,993, CA replaced by AT on the plus strand (TG replaced by AT on the coding strand, the reverse complement: SBF2 is on the minus strand). VCF-style: chr11-9846992-CA-AT. GRCh37 (hg19) VCF-style: chr11-9868539-CA-AT.
Other names: c.2897_2898delinsAT, p.Met966Asn (NM_001386339.1); c.2768_2769delinsAT, p.Met923Asn (NM_001386342.1); short protein forms M966N, M923N.
Identifiers: ClinVar variation 1377484 (VCV001377484.6), dbSNP rs2133973790, ClinGen allele CA2573147177.